The following is an entry in ClinVar:

ClinVar aggregate classification (germline): Uncertain significance. Review status: criteria provided, multiple submitters, no conflicts (2 of 4 stars). 4 submissions from 3 submitters: Uncertain significance (3). 1 of the submissions does not count toward it. Last evaluated 2023-08-04.

Conditions:
Isolated microphthalmia 5. Also called: Posterior Microphthalmia with Retinitis Pigmentosa, Foveoschisis, and Optic Disc Drusen. Identifiers: Orphanet 251279, MedGen C1970236, MONDO:0012605, OMIM 611040.
Late-onset retinal degeneration (LORD). Also called: RETINAL DEGENERATION, LATE-ONSET, AUTOSOMAL DOMINANT. Identifiers: Orphanet 67042, MedGen C1854065, MONDO:0011579, OMIM 605670. Disease mechanism: loss of function.
Retinal dystrophy. Also called: Inherited retinal dystrophy. Identifiers: Orphanet 71862, MedGen C0854723, MeSH D058499, MONDO:0019118, HP:0000556.

Allele frequency attached by ClinVar (database versions not stated): gnomAD exomes below 0.00001; ExAC 0.00016.
gnomAD v4.1: 5 of 1,509,694 alleles (0.00033%); highest among the groups gnomAD compares: South Asian, 0.0025%; no homozygotes.

Submissions (4):

Labcorp Genetics (formerly Invitae), Labcorp
Classification: Uncertain significance. Last evaluated: 2023-08-04. Review status: criteria provided, single submitter. Criteria: Invitae Variant Classification Sherloc (09022015). Collection method: clinical testing. Allele origin: germline.
Comment: The frequency data for this variant in the population databases is considered unreliable, as metrics indicate poor data quality at this position in the gnomAD database. This sequence change replaces aspartic acid, which is acidic and polar, with glycine, which is neutral and non-polar, at codon 79 of the C1QTNF5 protein (p.Asp79Gly). In summary, the available evidence is currently insufficient to determine the role of this variant in disease. Therefore, it has been classified as a Variant of Uncertain Significance. An algorithm developed to predict the effect of missense changes on protein structure and function (PolyPhen-2) suggests that this variant is likely to be disruptive. ClinVar contains an entry for this variant (Variation ID: 879321). This variant has not been reported in the literature in individuals affected with C1QTNF5-related conditions.

Illumina Laboratory Services, Illumina
Classification: Uncertain significance for Late-onset retinal degeneration. Last evaluated: 2018-03-30. Review status: criteria provided, single submitter. Criteria: ICSL Variant Classification Criteria 13 December 2019. Collection method: clinical testing. Allele origin: germline.

Illumina Laboratory Services, Illumina
Classification: Uncertain significance for Isolated microphthalmia 5. Last evaluated: 2018-03-30. Review status: criteria provided, single submitter. Criteria: ICSL Variant Classification Criteria 13 December 2019. Collection method: clinical testing. Allele origin: germline.

Institute of Human Genetics, Univ. Regensburg, Univ. Regensburg
Classification: Uncertain significance for Retinal dystrophy. Last evaluated: 2021-01-01. Review status: no assertion criteria provided. Criteria: ACMG Guidelines, 2015. Collection method: clinical testing. Allele origin: germline. Affected: yes. Not counted in ClinVar's aggregate classification.

NM_001278431.2(C1QTNF5):c.236A>G (p.Asp79Gly)

Genes: MFRP (membrane frizzled-related protein; minus strand), C1QTNF5 (C1q and TNF related 5; minus strand). Cytogenetic location: 11q23.3.
Variant type: single nucleotide variant.
Coding change: c.236A>G on transcript NM_001278431.2 (MANE Select); coding-DNA position 236, A replaced by G.
Protein change: p.Asp79Gly; replaces aspartic acid 79 with glycine.
Molecular consequence: missense variant. On other transcripts: 3 prime UTR variant (1).
Genome position (GRCh38, 1-based): chr11:119,339,827, T>C on the plus strand (A>G on the coding strand, the complement: C1QTNF5 is on the minus strand). VCF-style: chr11-119339827-T-C. GRCh37 (hg19) VCF-style: chr11-119210537-T-C.
Other names: c.236A>G, p.Asp79Gly (NM_015645.5); c.*1132A>G (NM_031433.4); short protein forms D79G.
Identifiers: ClinVar variation 879321 (VCV000879321.8), dbSNP rs746399664, ClinGen allele CA6319972.